The following is an entry in ClinVar:

ClinVar aggregate classification (germline): Pathogenic (1 of 4 stars; one submission).

Submission:

Labcorp Genetics (formerly Invitae), Labcorp
Classification: Pathogenic. Last evaluated: 2021-11-08. Review status: criteria provided, single submitter. Criteria: Invitae Variant Classification Sherloc (09022015). Collection method: clinical testing. Allele origin: germline.
Comment: This sequence change replaces alanine, which is neutral and non-polar, with aspartic acid, which is acidic and polar, at codon 111 of the RS1 protein (p.Ala111Asp). This variant is not present in population databases (gnomAD no frequency). This missense change has been observed in individual(s) with X-linked retinoschisis (Invitae). Advanced modeling of protein sequence and biophysical properties (such as structural, functional, and spatial information, amino acid conservation, physicochemical variation, residue mobility, and thermodynamic stability) performed at Invitae indicates that this missense variant is expected to disrupt RS1 protein function. This variant disrupts the p.Ala111 amino acid residue in RS1. Other variant(s) that disrupt this residue have been determined to be pathogenic (Invitae). This suggests that this residue is clinically significant, and that variants that disrupt this residue are likely to be disease-causing. For these reasons, this variant has been classified as Pathogenic.

NM_000330.4(RS1):c.332C>A (p.Ala111Asp)

Genes: CDKL5 (cyclin dependent kinase like 5; plus strand), RS1 (retinoschisin 1; minus strand). Cytogenetic location: Xp22.13.
Variant type: single nucleotide variant.
Coding change: c.332C>A on transcript NM_000330.4 (MANE Select); coding-DNA position 332, C replaced by A.
Protein change: p.Ala111Asp; replaces alanine 111 with aspartic acid.
Molecular consequence: missense variant. On other transcripts: intron variant (2).
Genome position (GRCh38, 1-based): chrX:18,644,620, G>T on the plus strand (C>A on the coding strand, the complement: RS1 is on the minus strand). VCF-style: chrX-18644620-G-T. GRCh37 (hg19) VCF-style: chrX-18662740-G-T.
Other names: c.2714-1387G>T (NM_003159.3, NM_001037343.2); short protein forms A111D.
Identifiers: ClinVar variation 1453716 (VCV001453716.7), dbSNP rs2147191414, ClinGen allele CA412372352.
Genomic context (GRCh38, chrX:18,644,620, plus strand): 5'-TTGATCTCCTTCAGATCTATCTGTAACCACTGGCTACTGTCCTGGAACTTGGAGAGCCAG[G>T]CACACCTGCCGAGAACATACCGAGTCACCGAGAGACTCCCCCTGTGCATGTCTGCAAAAA-3'
Protein context (NP_000321.1, residues 101-121): ARLNSQGFGC[Ala111Asp]WLSKFQDSSQ